The following is an entry in ClinVar:

ClinVar aggregate classification (germline): Uncertain significance (1 of 4 stars; one submission).

Conditions:
Genitopatellar syndrome (GTPTS). Also called: ABSENT PATELLAE, SCROTAL HYPOPLASIA, RENAL ANOMALIES, FACIAL DYSMORPHISM, AND MENTAL RETARDATION; Genitopatellar syndrome (GPS). Identifiers: Orphanet 85201, MedGen C1853566, MONDO:0011640, OMIM 606170.

Submission:

Labcorp Genetics (formerly Invitae), Labcorp
Classification: Uncertain significance for Genitopatellar syndrome. Last evaluated: 2024-04-10. Review status: criteria provided, single submitter. Criteria: Invitae Variant Classification Sherloc (09022015). Collection method: clinical testing. Allele origin: germline.
Comment: This sequence change replaces threonine, which is neutral and polar, with alanine, which is neutral and non-polar, at codon 1114 of the KAT6B protein (p.Thr1114Ala). This variant is not present in population databases (gnomAD no frequency). This variant has not been reported in the literature in individuals affected with KAT6B-related conditions. Advanced modeling of protein sequence and biophysical properties (such as structural, functional, and spatial information, amino acid conservation, physicochemical variation, residue mobility, and thermodynamic stability) performed at Invitae indicates that this missense variant is not expected to disrupt KAT6B protein function with a negative predictive value of 80%. In summary, the available evidence is currently insufficient to determine the role of this variant in disease. Therefore, it has been classified as a Variant of Uncertain Significance.

NM_012330.4(KAT6B):c.3340A>G (p.Thr1114Ala)

Gene: KAT6B (lysine acetyltransferase 6B; plus strand). Cytogenetic location: 10q22.2.
Variant type: single nucleotide variant.
Coding change: c.3340A>G on transcript NM_012330.4 (MANE Select); coding-DNA position 3340, A replaced by G.
Protein change: p.Thr1114Ala; replaces threonine 1114 with alanine.
Molecular consequence: missense variant.
Genome position (GRCh38, 1-based): chr10:75,022,199, A>G. VCF-style: chr10-75022199-A-G. GRCh37 (hg19) VCF-style: chr10-76781957-A-G.
Other names: c.1651A>G, p.Thr551Ala (NM_001370133.1); c.1255A>G, p.Thr419Ala (NM_001370134.1); c.997A>G, p.Thr333Ala (NM_001370135.1); c.3340A>G, p.Thr1114Ala (NM_001370136.1, NM_001370137.1); c.2791A>G, p.Thr931Ala (NM_001370138.1, NM_001256468.2); c.2464A>G, p.Thr822Ala (NM_001370139.1, NM_001370140.1, NM_001370141.1 and 2 more transcripts); c.2275A>G, p.Thr759Ala (NM_001370143.1, NM_001370144.1); c.2302A>G, p.Thr768Ala (NM_001370132.1); short protein forms T551A, T768A, T822A, T931A, T1114A, T419A, T759A, T333A.
Identifiers: ClinVar variation 3685115 (VCV003685115.2).